The following is an entry in ClinVar:

NM_001290208.3(ZNF717):c.188A>T (p.His63Leu)

Gene: ZNF717 (zinc finger protein 717; minus strand). Cytogenetic location: 3p12.3.
Variant type: single nucleotide variant.
Coding change: c.188A>T on transcript NM_001290208.3 (MANE Select); coding-DNA position 188, A replaced by T.
Protein change: p.His63Leu; replaces histidine 63 with leucine.
Molecular consequence: missense variant.
Genome position (GRCh38, 1-based): chr3:75,741,365, T>A on the plus strand (A>T on the coding strand, the complement: ZNF717 is on the minus strand). VCF-style: chr3-75741365-T-A. GRCh37 (hg19) VCF-style: chr3-75790516-T-A.
Other names: c.38A>T, p.His13Leu (NM_001290209.3); c.188A>T, p.His63Leu (NM_001290210.2, NM_001324026.2, NM_001324027.1 and 1 more transcripts); c.167A>T, p.His56Leu (NM_001324028.1); short protein forms H63L, H13L, H56L.
Identifiers: ClinVar variation 2003596 (VCV002003596.1), dbSNP rs201105907, ClinGen allele CA2496503.

ClinVar aggregate classification (germline): Uncertain significance (1 of 4 stars; one submission).

Allele frequency attached by ClinVar (database versions not stated): 1000 Genomes Project 30x 0.32636.

Submission:

Labcorp Genetics (formerly Invitae), Labcorp
Classification: Uncertain significance. Last evaluated: 2020-12-18. Review status: criteria provided, single submitter. Criteria: Invitae Variant Classification Sherloc (09022015). Collection method: clinical testing. Allele origin: germline.
Comment: This sequence change replaces AA1 with AA2 at codon 63 of the ZNF717 protein (p.His63Leu). The AA1 residue is AA_CONSERV conserved and there is a PHYSIOCHEM_SIZE physicochemical difference between AA1 and AA2. The frequency data for this variant in the population databases is considered unreliable, as metrics indicate poor data quality at this position in the ExAC database. This variant has not been reported in the literature in individuals with ZNF717-related disease. Algorithms developed to predict the effect of missense changes on protein structure and function output the following: SIFT: "SIFT_OUTPUT"; PolyPhen-2: "Benign"; Align-GVGD: "Class ALIGN_GVGD_OUTPUT. The AA2 amino acid residue is found in multiple mammalian species, suggesting that this missense change does not adversely affect protein function. These predictions have not been confirmed by published functional studies and their clinical significance is uncertain. In summary, the available evidence is currently insufficient to determine the role of this variant in disease. Therefore, it has been classified as a Variant of Uncertain Significance.